The following is an entry in ClinVar:

NM_000057.4(BLM):c.2523C>G (p.Ile841Met)

Gene: BLM (BLM RecQ like helicase; plus strand). Cytogenetic location: 15q26.1.
Variant type: single nucleotide variant.
Coding change: c.2523C>G on transcript NM_000057.4 (MANE Select); coding-DNA position 2523, C replaced by G.
Protein change: p.Ile841Met; replaces isoleucine 841 with methionine.
Molecular consequence: missense variant.
Genome position (GRCh38, 1-based): chr15:90,769,554, C>G. VCF-style: chr15-90769554-C-G. GRCh37 (hg19) VCF-style: chr15-91312784-C-G.
Other names: c.2523C>G, p.Ile841Met (NM_001287246.2, NM_001287247.2); c.1398C>G, p.Ile466Met (NM_001287248.2); short protein forms I466M, I841M.
Identifiers: ClinVar variation 3991667 (VCV003991667.1).

ClinVar aggregate classification (germline): Uncertain significance (1 of 4 stars; one submission).

Conditions:
Hereditary cancer-predisposing syndrome. Also called: Tumor predisposition; Hereditary neoplastic syndrome; Neoplastic Syndromes, Hereditary; Hereditary Cancer Syndrome. Identifiers: Orphanet 140162, MedGen C0027672, MeSH D009386, MONDO:0015356.

Submission:

Ambry Genetics
Classification: Uncertain significance for Hereditary cancer-predisposing syndrome. Last evaluated: 2025-05-15. Review status: criteria provided, single submitter. Criteria: Ambry Variant Classification Scheme 2023. Collection method: clinical testing. Allele origin: germline.
Comment: The p.I841M variant (also known as c.2523C>G), located in coding exon 11 of the BLM gene, results from a C to G substitution at nucleotide position 2523. The isoleucine at codon 841 is replaced by methionine, an amino acid with highly similar properties. This amino acid position is conserved. In addition, the in silico prediction for this alteration is inconclusive. Based on the available evidence, the clinical significance of this variant remains unclear.